The following is an entry in ClinVar:

ClinVar aggregate classification (germline): Conflicting classifications of pathogenicity. Review status: criteria provided, conflicting classifications (1 of 4 stars). 4 submissions from 4 submitters: Uncertain significance (1); Likely benign (2). 1 of the submissions does not count toward it. Last evaluated 2025-01-16.

Conditions:
Hereditary cancer-predisposing syndrome. Also called: Tumor predisposition; Hereditary neoplastic syndrome; Hereditary Cancer Syndrome; Neoplastic Syndromes, Hereditary. Identifiers: Orphanet 140162, MedGen C0027672, MeSH D009386, MONDO:0015356.
Hereditary breast ovarian cancer syndrome. Also called: Hereditary breast and/or ovarian cancer syndrome; Breast and ovarian cancer; Hereditary breast and ovarian cancer syndrome; Hereditary breast and ovarian cancer; Hereditary breast and ovarian cancer syndrome (HBOC); BRCA1- and BRCA2-Associated Hereditary Breast and Ovarian Cancer. Identifiers: Orphanet 145, MedGen C0677776, MeSH D061325, MONDO:0003582. Disease mechanism: loss of function.
Breast-ovarian cancer, familial, susceptibility to, 1 (BROVCA1). Also called: BRCA1 Hereditary Breast and Ovarian Cancer; OVARIAN CANCER, SUSCEPTIBILITY TO. Identifiers: Orphanet 145, MedGen C2676676, MONDO:0011450, OMIM 604370. Disease mechanism: loss of function.

Submissions (4):

Ambry Genetics
Classification: Uncertain significance for Hereditary cancer-predisposing syndrome. Last evaluated: 2025-01-16. Review status: criteria provided, single submitter. Criteria: Ambry Variant Classification Scheme 2023. Collection method: clinical testing. Allele origin: germline.
Comment: The c.548-16G>A intronic alteration consists of a G to A substitution 16 nucleotides before coding exon 7 in the BRCA1 gene. Based on insufficient or conflicting evidence, the clinical significance of this alteration remains unclear.

Labcorp Genetics (formerly Invitae), Labcorp
Classification: Likely benign for Hereditary breast ovarian cancer syndrome. Last evaluated: 2023-09-05. Review status: criteria provided, single submitter. Criteria: Invitae Variant Classification Sherloc (09022015). Collection method: clinical testing. Allele origin: germline.

GeneDx
Classification: Likely benign. Last evaluated: 2015-07-30. Review status: criteria provided, single submitter. Criteria: GeneDx Variant Classification (06012015). Collection method: clinical testing. Allele origin: germline. Affected: yes.
Comment: This variant is considered likely benign or benign based on one or more of the following criteria: it is a conservative change, it occurs at a poorly conserved position in the protein, it is predicted to be benign by multiple in silico algorithms, and/or has population frequency not consistent with disease.

Breast Cancer Information Core (BIC) (BRCA1)
Classification: Uncertain significance for Breast-ovarian cancer, familial 1. Last evaluated: 2004-11-25. Review status: no assertion criteria provided. Collection method: clinical testing. Allele origin: germline. Affected: yes. Observed: 1 variant allele. Not counted in ClinVar's aggregate classification.

NM_007294.4(BRCA1):c.548-16G>A

Gene: BRCA1 (BRCA1 DNA repair associated; minus strand). Cytogenetic location: 17q21.31.
Variant type: single nucleotide variant.
Coding change: c.548-16G>A on transcript NM_007294.4 (MANE Select); 16 bases into the intron before coding-DNA position 548, G replaced by A.
Molecular consequence: intron variant.
Genome position (GRCh38, 1-based): chr17:43,097,305, C>T on the plus strand (G>A on the coding strand, the complement: BRCA1 is on the minus strand). VCF-style: chr17-43097305-C-T. GRCh37 (hg19) VCF-style: chr17-41249322-C-T.
Other names: IVS8-16G>A; c.407-16G>A (NM_001408458.1, NM_001408469.1, NM_001408453.1 and 43 more transcripts); c.-218-2445G>A (NM_001407967.1, NM_001407966.1); c.167-16G>A (NM_001407959.1, NM_001408510.1, NM_001407963.1 and 1 more transcripts); c.404-2445G>A (NM_001407931.1, NM_001407932.1, NM_001408503.1 and 5 more transcripts); c.404-16G>A (NM_001407747.1, NM_001408470.1, NM_001407848.1 and 26 more transcripts); c.164-16G>A (NM_001407962.1); c.167-2445G>A (NM_001408512.1, NM_001407965.1); and 18 more.
Identifiers: ClinVar variation 125885 (VCV000125885.15), dbSNP rs80358171, ClinGen allele CA003647.